The following is an entry in ClinVar:

ClinVar aggregate classification (germline): Uncertain significance (1 of 4 stars; one submission).

Conditions:
Tuberous sclerosis 1 (TSC1). Identifiers: Orphanet 805, MedGen C1854465, MONDO:0008612, OMIM 191100.

Submission:

Labcorp Genetics (formerly Invitae), Labcorp
Classification: Uncertain significance for Tuberous sclerosis 1. Last evaluated: 2023-06-06. Review status: criteria provided, single submitter. Criteria: Invitae Variant Classification Sherloc (09022015). Collection method: clinical testing. Allele origin: germline.
Comment: In summary, the available evidence is currently insufficient to determine the role of this variant in disease. Therefore, it has been classified as a Variant of Uncertain Significance. Algorithms developed to predict the effect of sequence changes on RNA splicing suggest that this variant may disrupt the consensus splice site. This variant has not been reported in the literature in individuals affected with TSC1-related conditions. This variant is not present in population databases (gnomAD no frequency). This sequence change falls in intron 21 of the TSC1 gene. It does not directly change the encoded amino acid sequence of the TSC1 protein.

NM_000368.5(TSC1):c.2814-4T>C

Gene: TSC1 (TSC complex subunit 1; minus strand). Cytogenetic location: 9q34.13.
Variant type: single nucleotide variant.
Coding change: c.2814-4T>C on transcript NM_000368.5 (MANE Select); 4 bases into the intron before coding-DNA position 2814, T replaced by C.
Molecular consequence: intron variant.
Genome position (GRCh38, 1-based): chr9:132,897,349, A>G on the plus strand (T>C on the coding strand, the complement: TSC1 is on the minus strand). VCF-style: chr9-132897349-A-G. GRCh37 (hg19) VCF-style: chr9-135772736-A-G.
Other names: c.2448-4T>C (NM_001406620.1, NM_001406621.1, NM_001406622.1 and 1 more transcripts); c.2451-4T>C (NM_001406618.1, NM_001406617.1, NM_001406619.1 and 4 more transcripts); c.2406-4T>C (NM_001406625.1); c.2616-4T>C (NM_001406613.1); c.2658-4T>C (NM_001406612.1, NM_001406611.1); c.2661-4T>C (NM_001406610.1, NM_001162427.2); c.1860-4T>C (NM_001406627.1, NM_001406628.1); c.1761-4T>C (NM_001406629.1, NM_001406630.1); and 8 more.
Identifiers: ClinVar variation 2693890 (VCV002693890.3), dbSNP rs2538483389, ClinGen allele CA2697558107.